The following is an entry in ClinVar:

ClinVar aggregate classification (germline): Uncertain significance (1 of 4 stars; one submission).

Conditions:
Epileptic encephalopathy. Identifiers: MedGen C0543888, HP:0200134.

gnomAD v4.1: 1 of 1,612,634 alleles (0.000062%); highest among the groups gnomAD compares: Admixed American, 0.0017%; no homozygotes.

Submission:

Labcorp Genetics (formerly Invitae), Labcorp
Classification: Uncertain significance for Epileptic encephalopathy. Last evaluated: 2023-12-19. Review status: criteria provided, single submitter. Criteria: Invitae Variant Classification Sherloc (09022015). Collection method: clinical testing. Allele origin: germline.
Comment: This sequence change replaces alanine, which is neutral and non-polar, with threonine, which is neutral and polar, at codon 1042 of the FASN protein (p.Ala1042Thr). This variant is not present in population databases (gnomAD no frequency). This variant has not been reported in the literature in individuals affected with FASN-related conditions. Algorithms developed to predict the effect of missense changes on protein structure and function output the following: SIFT: "Not Available"; PolyPhen-2: "Benign"; Align-GVGD: "Not Available". The threonine amino acid residue is found in multiple mammalian species, which suggests that this missense change does not adversely affect protein function. In summary, the available evidence is currently insufficient to determine the role of this variant in disease. Therefore, it has been classified as a Variant of Uncertain Significance.

NM_004104.5(FASN):c.3124G>A (p.Ala1042Thr)

Gene: FASN (fatty acid synthase; minus strand). Cytogenetic location: 17q25.3.
Variant type: single nucleotide variant.
Coding change: c.3124G>A on transcript NM_004104.5 (MANE Select); coding-DNA position 3124, G replaced by A.
Protein change: p.Ala1042Thr; replaces alanine 1042 with threonine.
Molecular consequence: missense variant.
Genome position (GRCh38, 1-based): chr17:82,087,424, C>T on the plus strand (G>A on the coding strand, the complement: FASN is on the minus strand). VCF-style: chr17-82087424-C-T. GRCh37 (hg19) VCF-style: chr17-80045300-C-T.
Other names: short protein forms A1042T.
Identifiers: ClinVar variation 2881437 (VCV002881437.3), dbSNP rs374605220, ClinGen allele CA295132948.